The following is an entry in ClinVar:

ClinVar aggregate classification (germline): Uncertain significance. Review status: criteria provided, multiple submitters, no conflicts (2 of 4 stars). 5 submissions from 5 submitters: Uncertain significance (5). Last evaluated 2025-11-07.

Conditions:
Cardiovascular phenotype. Identifiers: MedGen CN230736.
DK1-congenital disorder of glycosylation. Also called: CONGENITAL DISORDER OF GLYCOSYLATION, TYPE Im; DK1 DEFICIENCY; DOLICHOL KINASE DEFICIENCY; DK1-CDG; DOLK-congenital disorder of glycosylation; Carbohydrate deficient glycoprotein syndrome type 1m. Identifiers: Orphanet 91131, MedGen C1835849, MONDO:0012556, OMIM 610768.

Allele frequency attached by ClinVar (database versions not stated): gnomAD exomes 0.00003 and 0.00004; TOPMed 0.00003; ExAC 0.00004; gnomAD 0.00005 and 0.00009; 1000 Genomes Project 30x 0.00125; 1000 Genomes Project 0.00140.
gnomAD v4.1: 54 of 1,614,126 alleles (0.0033%); highest among the groups gnomAD compares: Middle Eastern, 0.049%; 1 homozygote.

Submissions (5):

Ambry Genetics
Classification: Uncertain significance for Cardiovascular phenotype. Last evaluated: 2025-11-07. Review status: criteria provided, single submitter. Criteria: Ambry Variant Classification Scheme 2023. Collection method: clinical testing. Allele origin: germline.
Comment: The p.F292L variant (also known as c.876C>G), located in coding exon 1 of the DOLK gene, results from a C to G substitution at nucleotide position 876. The phenylalanine at codon 292 is replaced by leucine, an amino acid with highly similar properties. This amino acid position is not well conserved in available vertebrate species, and leucine is the reference amino acid in other vertebrate species. In addition, this alteration is predicted to be tolerated by in silico analysis. Since supporting evidence is limited at this time, the clinical significance of this alteration remains unclear.

GeneDx
Classification: Uncertain significance. Last evaluated: 2023-10-19. Review status: criteria provided, single submitter. Criteria: GeneDx Variant Classification Process June 2021. Collection method: clinical testing. Allele origin: germline. Affected: yes.
Comment: In silico analysis supports that this missense variant has a deleterious effect on protein structure/function; Has not been previously published as pathogenic or benign to our knowledge

Labcorp Genetics (formerly Invitae), Labcorp
Classification: Uncertain significance for DK1-congenital disorder of glycosylation. Last evaluated: 2022-06-20. Review status: criteria provided, single submitter. Criteria: Invitae Variant Classification Sherloc (09022015). Collection method: clinical testing. Allele origin: germline.
Comment: This sequence change replaces phenylalanine, which is neutral and non-polar, with leucine, which is neutral and non-polar, at codon 292 of the DOLK protein (p.Phe292Leu). This variant is present in population databases (rs147342916, gnomAD 0.01%). This variant has not been reported in the literature in individuals affected with DOLK-related conditions. ClinVar contains an entry for this variant (Variation ID: 1011976). Algorithms developed to predict the effect of missense changes on protein structure and function output the following: SIFT: "Tolerated"; PolyPhen-2: "Benign"; Align-GVGD: "Class C0". The leucine amino acid residue is found in multiple mammalian species, which suggests that this missense change does not adversely affect protein function. In summary, the available evidence is currently insufficient to determine the role of this variant in disease. Therefore, it has been classified as a Variant of Uncertain Significance.

Fulgent Genetics
Classification: Uncertain significance for DK1-congenital disorder of glycosylation. Last evaluated: 2021-07-09. Review status: criteria provided, single submitter. Criteria: ACMG Guidelines, 2015. Collection method: clinical testing. Allele origin: unknown.

Revvity Omics, Revvity
Classification: Uncertain significance for DK1-congenital disorder of glycosylation. Last evaluated: 2019-01-25. Review status: criteria provided, single submitter. Criteria: ACMG Guidelines, 2015. Collection method: clinical testing. Allele origin: germline.

NM_014908.4(DOLK):c.876C>G (p.Phe292Leu)

Gene: DOLK (dolichol kinase; minus strand). Cytogenetic location: 9q34.11.
Variant type: single nucleotide variant.
Coding change: c.876C>G on transcript NM_014908.4 (MANE Select); coding-DNA position 876, C replaced by G.
Protein change: p.Phe292Leu; replaces phenylalanine 292 with leucine.
Molecular consequence: missense variant.
Genome position (GRCh38, 1-based): chr9:128,946,428, G>C on the plus strand (C>G on the coding strand, the complement: DOLK is on the minus strand). VCF-style: chr9-128946428-G-C. GRCh37 (hg19) VCF-style: chr9-131708707-G-C.
Other names: short protein forms F292L.
Identifiers: ClinVar variation 1011976 (VCV001011976.15), dbSNP rs147342916, ClinGen allele CA5271672.